The following is an entry in ClinVar:

ClinVar aggregate classification (germline): Uncertain significance (1 of 4 stars; one submission).

Conditions:
Cardiovascular phenotype. Identifiers: MedGen CN230736.

gnomAD v4.1: 1 of 1,614,072 alleles (0.000062%); highest among the groups gnomAD compares: Non-Finnish European, 0.000085%; no homozygotes.

Submission:

Ambry Genetics
Classification: Uncertain significance for Cardiovascular phenotype. Last evaluated: 2026-05-29. Review status: criteria provided, single submitter. Criteria: Ambry Variant Classification Scheme 2023. Collection method: clinical testing. Allele origin: germline.
Comment: The p.E374D variant (also known as c.1122G>C), located in coding exon 7 of the LPL gene, results from a G to C substitution at nucleotide position 1122. The glutamic acid at codon 374 is replaced by aspartic acid, an amino acid with highly similar properties. This variant was reported in individual(s) with features consistent with hypertriglyceridemia (Evans D et al. Atherosclerosis, 2011 Feb;214:386-90). This amino acid position is highly conserved in available vertebrate species. In addition, this alteration is predicted to be tolerated by in silico analysis. Based on the available evidence, the clinical significance of this variant remains unclear.

Literature cited by the submitters: PubMed 21159338.

NM_000237.3(LPL):c.1122G>C (p.Glu374Asp)

Gene: LPL (lipoprotein lipase; plus strand). Cytogenetic location: 8p21.3.
Variant type: single nucleotide variant.
Coding change: c.1122G>C on transcript NM_000237.3 (MANE Select); coding-DNA position 1122, G replaced by C.
Protein change: p.Glu374Asp; replaces glutamic acid 374 with aspartic acid.
Molecular consequence: missense variant.
Genome position (GRCh38, 1-based): chr8:19,959,363, G>C. VCF-style: chr8-19959363-G-C. GRCh37 (hg19) VCF-style: chr8-19816874-G-C.
Other names: short protein forms E374D.
Identifiers: ClinVar variation 4859249 (VCV004859249.1).